The following is an entry in ClinVar:

ClinVar aggregate classification (germline): Likely benign (1 of 4 stars; one submission).

Allele frequency attached by ClinVar (database versions not stated): gnomAD exomes below 0.00001.

Submission:

CeGaT Center for Human Genetics Tuebingen
Classification: Likely benign. Last evaluated: 2023-11-01. Review status: criteria provided, single submitter. Criteria: CeGaT Center For Human Genetics Tuebingen Variant Classification Criteria Version 2. Collection method: clinical testing. Allele origin: germline. Affected: yes. Observed: 1 variant allele.
Comment: DES: PM2:Supporting, BP4, BP7

NM_001927.4(DES):c.231C>A (p.Thr77=)

Gene: DES (desmin; plus strand). Cytogenetic location: 2q35.
Variant type: single nucleotide variant.
Coding change: c.231C>A on transcript NM_001927.4 (MANE Select); coding-DNA position 231, C replaced by A.
Protein change: p.Thr77=; no amino-acid change (threonine 77 retained).
Molecular consequence: synonymous variant.
Genome position (GRCh38, 1-based): chr2:219,418,693, C>A. VCF-style: chr2-219418693-C-A. GRCh37 (hg19) VCF-style: chr2-220283415-C-A.
Other names: c.231C>A, p.Thr77= (NM_001382708.1, NM_001382709.1, NM_001382710.1 and 3 more transcripts).
Identifiers: ClinVar variation 2672861 (VCV002672861.23), dbSNP rs2545246734, ClinGen allele CA431427809.